The following is an entry in ClinVar:

NM_001127222.2(CACNA1A):c.1256-240T>C

Gene: CACNA1A (calcium voltage-gated channel subunit alpha1 A; minus strand). Cytogenetic location: 19p13.13.
Variant type: single nucleotide variant.
Coding change: c.1256-240T>C on transcript NM_001127222.2 (MANE Select); 240 bases into the intron before coding-DNA position 1256, T replaced by C.
Molecular consequence: intron variant.
Genome position (GRCh38, 1-based): chr19:13,330,573, A>G on the plus strand (T>C on the coding strand, the complement: CACNA1A is on the minus strand). VCF-style: chr19-13330573-A-G. GRCh37 (hg19) VCF-style: chr19-13441387-A-G.
Other names: c.1256-237T>C (NM_001127221.2, NM_001174080.2, NM_000068.4 and 1 more transcripts).
Identifiers: ClinVar variation 680235 (VCV000680235.1), dbSNP rs10425496, ClinGen allele CA14683824.

ClinVar aggregate classification (germline): Benign (1 of 4 stars; one submission).

Allele frequency attached by ClinVar (database versions not stated): gnomAD 0.21198 and 0.21204; TOPMed 0.21490; 1000 Genomes Project 0.23403; 1000 Genomes Project 30x 0.23626.
gnomAD v4.1: 31,376 of 148,146 alleles (21%); highest among the groups gnomAD compares: African/African-American, 32%; 3,622 homozygotes.

Submission:

GeneDx
Classification: Benign. Last evaluated: 2018-06-14. Review status: criteria provided, single submitter. Criteria: GeneDx Variant Classification (06012015). Collection method: clinical testing. Allele origin: germline. Affected: yes.
Comment: This variant is considered likely benign or benign based on one or more of the following criteria: it is a conservative change, it occurs at a poorly conserved position in the protein, it is predicted to be benign by multiple in silico algorithms, and/or has population frequency not consistent with disease.